The following is an entry in ClinVar:

ClinVar aggregate classification (germline): Uncertain significance. Review status: criteria provided, multiple submitters, no conflicts (2 of 4 stars). 2 submissions from 2 submitters: Uncertain significance (2). Last evaluated 2025-09-24.

Conditions:
Inborn genetic diseases. Identifiers: MedGen C0950123, MeSH D030342.
Luscan-Lumish syndrome. Identifiers: Orphanet 597738, MedGen C4085873, MONDO:0014791, OMIM 616831.

Allele frequency attached by ClinVar (database versions not stated): TOPMed below 0.00001; gnomAD 0.00001.
gnomAD v4.1: 1 of 1,613,092 alleles (0.000062%); highest among the groups gnomAD compares: African/African-American, 0.0013%; no homozygotes.

Submissions (2):

Ambry Genetics
Classification: Uncertain significance for Inborn genetic diseases. Last evaluated: 2025-09-24. Review status: criteria provided, single submitter. Criteria: Ambry Variant Classification Scheme 2023. Collection method: clinical testing. Allele origin: germline.

Labcorp Genetics (formerly Invitae), Labcorp
Classification: Uncertain significance for Luscan-Lumish syndrome. Last evaluated: 2021-10-12. Review status: criteria provided, single submitter. Criteria: Invitae Variant Classification Sherloc (09022015). Collection method: clinical testing. Allele origin: germline.
Comment: This sequence change replaces glutamic acid with glutamine at codon 1791 of the SETD2 protein (p.Glu1791Gln). The glutamic acid residue is moderately conserved and there is a small physicochemical difference between glutamic acid and glutamine. This variant is not present in population databases (ExAC no frequency). This variant has not been reported in the literature in individuals affected with SETD2-related conditions. Algorithms developed to predict the effect of missense changes on protein structure and function are either unavailable or do not agree on the potential impact of this missense change (SIFT: "Tolerated"; PolyPhen-2: "Possibly Damaging"; Align-GVGD: "Class C0"). In summary, the available evidence is currently insufficient to determine the role of this variant in disease. Therefore, it has been classified as a Variant of Uncertain Significance.

NM_014159.7(SETD2):c.5371G>C (p.Glu1791Gln)

Gene: SETD2 (SET domain containing 2, histone lysine methyltransferase; minus strand). Cytogenetic location: 3p21.31.
Variant type: single nucleotide variant.
Coding change: c.5371G>C on transcript NM_014159.7 (MANE Select); coding-DNA position 5371, G replaced by C.
Protein change: p.Glu1791Gln; replaces glutamic acid 1791 with glutamine.
Molecular consequence: missense variant. On other transcripts: non-coding transcript variant (1).
Genome position (GRCh38, 1-based): chr3:47,086,221, C>G on the plus strand (G>C on the coding strand, the complement: SETD2 is on the minus strand). VCF-style: chr3-47086221-C-G. GRCh37 (hg19) VCF-style: chr3-47127711-C-G.
Other names: c.5239G>C, p.Glu1747Gln (NM_001349370.3); c.5371G>C (NM_014159.6); short protein forms E1791Q, E1747Q.
Identifiers: ClinVar variation 1524844 (VCV001524844.7), dbSNP rs1285983711, ClinGen allele CA352537985.